The following is an entry in ClinVar:

ClinVar aggregate classification (germline): Pathogenic (1 of 4 stars; one submission).

Submission:

Labcorp Genetics (formerly Invitae), Labcorp
Classification: Pathogenic. Last evaluated: 2023-09-05. Review status: criteria provided, single submitter. Criteria: Invitae Variant Classification Sherloc (09022015). Collection method: clinical testing. Allele origin: germline.
Comment: This sequence change creates a premature translational stop signal (p.Val234*) in the NPHS1 gene. It is expected to result in an absent or disrupted protein product. Loss-of-function variants in NPHS1 are known to be pathogenic (PMID: 11317351, 11854170, 12039988). This variant is not present in population databases (gnomAD no frequency). This variant has not been reported in the literature in individuals affected with NPHS1-related conditions. For these reasons, this variant has been classified as Pathogenic.

Literature cited by the submitters: PubMed 11317351; PubMed 11854170; PubMed 12039988.

NM_004646.4(NPHS1):c.699del (p.Thr233_Val234insTer)

Gene: NPHS1 (NPHS1 adhesion molecule, nephrin; minus strand). Cytogenetic location: 19q13.12.
Variant type: Deletion.
Coding change: c.699del on transcript NM_004646.4 (MANE Select); coding-DNA position 699, one base deleted (C; older notation c.699delC).
Protein change: p.Thr233_Val234insTer.
Molecular consequence: frameshift variant.
Genome position (GRCh38, 1-based): chr19:35,849,563, G deleted on the plus strand (C on the coding strand, the reverse complement: NPHS1 is on the minus strand); the first of 2 consecutive G bases (chr19:35,849,563-35,849,564); deleting either gives the same sequence. VCF-style (leftmost placement, unchanged base first): chr19-35849562-CG-C. GRCh37 (hg19) VCF-style: chr19-36340464-CG-C.
Identifiers: ClinVar variation 2758172 (VCV002758172.3), dbSNP rs2513779861, ClinGen allele CA2697556482.